The following is an entry in ClinVar:

ClinVar aggregate classification (germline): Uncertain significance. Review status: criteria provided, multiple submitters, no conflicts (2 of 4 stars). 3 submissions from 3 submitters: Uncertain significance (2). 1 of the submissions does not count toward it. Last evaluated 2026-06-26.

Conditions:
Cystic fibrosis (CF). Also called: MUCOVISCIDOSIS. Identifiers: Orphanet 586, MedGen C0010674, MONDO:0009061, OMIM 219700. Disease mechanism: loss of function.

Allele frequency attached by ClinVar (database versions not stated): TOPMed 0.00001; gnomAD exomes below 0.00001.
gnomAD v4.1: 1 of 1,613,340 alleles (0.000062%); highest among the groups gnomAD compares: Non-Finnish European, 0.000085%; no homozygotes.

Submissions (3):

Ambry Genetics
Classification: Uncertain significance for Cystic fibrosis. Last evaluated: 2026-06-26. Review status: criteria provided, single submitter. Criteria: Ambry Variant Classification Scheme 2023. Collection method: clinical testing. Allele origin: germline.
Comment: The p.F1166C variant (also known as c.3497T>G), located in coding exon 22 of the CFTR gene, results from a T to G substitution at nucleotide position 3497. The phenylalanine at codon 1166 is replaced by cysteine, an amino acid with highly dissimilar properties. This amino acid position is highly conserved in available vertebrate species. In addition, this alteration is predicted to be deleterious by in silico analysis. Based on the available evidence, the clinical significance of this variant remains unclear.

Women's Health and Genetics/Laboratory Corporation of America, LabCorp
Classification: Uncertain significance. Last evaluated: 2024-02-15. Review status: criteria provided, single submitter. Criteria: LabCorp Variant Classification Summary - May 2015. Collection method: clinical testing. Allele origin: germline.
Comment: Variant summary: CFTR c.3497T>G (p.Phe1166Cys) results in a non-conservative amino acid change in the encoded protein sequence. Three of four in-silico tools predict a damaging effect of the variant on protein function. The variant was absent in 250730 control chromosomes. The available data on variant occurrences in the general population are insufficient to allow any conclusion about variant significance. c.3497T>G has been reported in the literature in without strong evidence for causality (Messaoud_2005). This report does not provide unequivocal conclusions about association of the variant with Cystic Fibrosis. To our knowledge, no experimental evidence demonstrating an impact on protein function has been reported. ClinVar contains an entry for this variant (Variation ID: 53761). Based on the evidence outlined above, the variant was classified as uncertain significance.

ClinVar Staff, National Center for Biotechnology Information (NCBI)
No classification provided. Condition: CFTR-related disorders. Review status: no classification provided. Collection method: literature only. Allele origin: germline. Affected: yes. Not counted in ClinVar's aggregate classification.

Literature cited by the submitters: PubMed 16330381 (cited by Women's Health and Genetics/Laboratory Corporation of America, LabCorp and ClinVar Staff, National Center for Biotechnology Information (NCBI)).

NM_000492.4(CFTR):c.3497T>G (p.Phe1166Cys)

Genes: CFTR (CF transmembrane conductance regulator; plus strand), CFTR-AS2 (CFTR antisense RNA 2; minus strand). Cytogenetic location: 7q31.2.
Variant type: single nucleotide variant.
Coding change: c.3497T>G on transcript NM_000492.4 (MANE Select); coding-DNA position 3497, T replaced by G.
Protein change: p.Phe1166Cys; replaces phenylalanine 1166 with cysteine.
Molecular consequence: missense variant.
Genome position (GRCh38, 1-based): chr7:117,627,550, T>G. VCF-style: chr7-117627550-T-G. GRCh37 (hg19) VCF-style: chr7-117267604-T-G.
Other names: short protein forms F1166C.
Identifiers: ClinVar variation 53761 (VCV000053761.4), dbSNP rs397508577, ClinGen allele CA327215.